The following is an entry in ClinVar:

ClinVar aggregate classification (germline): Likely pathogenic (1 of 4 stars; one submission).

Conditions:
LZTR1-related schwannomatosis. Also called: Schwannomatosis-2, susceptibility to; Schwannomatosis 2. Identifiers: Orphanet 93921, MedGen C3810283, MONDO:0014299, OMIM 615670.

Submission:

MGZ Medical Genetics Center
Classification: Likely pathogenic for LZTR1-related schwannomatosis. Last evaluated: 2022-03-16. Review status: criteria provided, single submitter. Criteria: ACMG Guidelines, 2015. Collection method: clinical testing. Allele origin: germline. Affected: yes. Observed: 1 variant allele.
Comment: ACMG criteria applied: PVS1, PM2_SUP

NM_006767.4(LZTR1):c.184del (p.Glu62fs)

Gene: LZTR1 (leucine zipper like post translational regulator 1; plus strand). Cytogenetic location: 22q11.21.
Variant type: Deletion.
Coding change: c.184del on transcript NM_006767.4 (MANE Select); coding-DNA position 184, one base deleted (G; older notation c.184delG).
Protein change: p.Glu62fs; shifts the reading frame from glutamic acid 62.
Molecular consequence: frameshift variant.
Genome position (GRCh38, 1-based): chr22:20,982,555, G deleted. VCF-style (leftmost placement, unchanged base first): chr22-20982554-CG-C. GRCh37 (hg19) VCF-style: chr22-21336843-CG-C.
Other names: short protein forms E62fs.
Identifiers: ClinVar variation 1709295 (VCV001709295.2), dbSNP rs2518607997, ClinGen allele CA2580099165.
Genomic context (GRCh38, chr22:20,982,554, plus strand): 5'-GACGCTCAACTTCGGGCCCTTCGAAACAGTGCATCGCTGGCGGCGCCTCCCGCCCTGCGA[CG>C]AGTTCGTGGGTGCCCGGTACGGTGGGCTTCATGGGGTCCTGAGGACAGGAAGGGCGATCT-3'